The following is an entry in ClinVar:

ClinVar aggregate classification (germline): Uncertain significance (1 of 4 stars; one submission).

Conditions:
Autosomal recessive mendelian susceptibility to mycobacterial diseases due to complete RORgamma receptor deficiency. Also called: Immunodeficiency 42. Identifiers: Orphanet 477857, MedGen C5567647, MONDO:0014710, OMIM 616622.

Submission:

Labcorp Genetics (formerly Invitae), Labcorp
Classification: Uncertain significance for Autosomal recessive mendelian susceptibility to mycobacterial diseases due to complete RORgamma receptor deficiency. Last evaluated: 2022-01-11. Review status: criteria provided, single submitter. Criteria: Invitae Variant Classification Sherloc (09022015). Collection method: clinical testing. Allele origin: germline.
Comment: In summary, the available evidence is currently insufficient to determine the role of this variant in disease. Therefore, it has been classified as a Variant of Uncertain Significance. Algorithms developed to predict the effect of missense changes on protein structure and function (SIFT, PolyPhen-2, Align-GVGD) all suggest that this variant is likely to be tolerated. This variant has not been reported in the literature in individuals affected with RORC-related conditions. This variant is present in population databases (no rsID available, gnomAD 0.0009%). This sequence change replaces aspartic acid, which is acidic and polar, with glycine, which is neutral and non-polar, at codon 165 of the RORC protein (p.Asp165Gly).

NM_005060.4(RORC):c.494A>G (p.Asp165Gly)

Gene: RORC (RAR related orphan receptor C; minus strand). Cytogenetic location: 1q21.3.
Variant type: single nucleotide variant.
Coding change: c.494A>G on transcript NM_005060.4 (MANE Select); coding-DNA position 494, A replaced by G.
Protein change: p.Asp165Gly; replaces aspartic acid 165 with glycine.
Molecular consequence: missense variant.
Genome position (GRCh38, 1-based): chr1:151,815,230, T>C on the plus strand (A>G on the coding strand, the complement: RORC is on the minus strand). VCF-style: chr1-151815230-T-C. GRCh37 (hg19) VCF-style: chr1-151787706-T-C.
Other names: c.431A>G, p.Asp144Gly (NM_001001523.2); short protein forms D144G, D165G.
Identifiers: ClinVar variation 2078757 (VCV002078757.2), dbSNP rs932089849, ClinGen allele CA30498495.